The following is an entry in ClinVar:

NM_002234.4(KCNA5):c.403_405del (p.Leu135del)

Gene: KCNA5 (potassium voltage-gated channel subfamily A member 5; plus strand). Cytogenetic location: 12p13.32.
Variant type: Deletion.
Coding change: c.403_405del on transcript NM_002234.4 (MANE Select); coding-DNA positions 403 to 405, 3 bases deleted (CTG; older notation c.403_405delCTG).
Protein change: p.Leu135del; deletes leucine 135.
Molecular consequence: inframe deletion.
Genome position (GRCh38, 1-based): chr12:5,044,550-5,044,552, CTG deleted; deleting any 3 consecutive bases within chr12:5,044,549-5,044,552 gives the same sequence; the c. name uses the placement nearest the transcript's 3' end. VCF-style (leftmost placement, unchanged base first): chr12-5044548-AGCT-A. GRCh37 (hg19) VCF-style: chr12-5153714-AGCT-A.
Other names: short protein forms L135del.
Identifiers: ClinVar variation 1061491 (VCV001061491.10), dbSNP rs1451178605, ClinGen allele CA603482587.

ClinVar aggregate classification (germline): Uncertain significance. Review status: criteria provided, multiple submitters, no conflicts (2 of 4 stars). 2 submissions from 2 submitters: Uncertain significance (2). Last evaluated 2022-03-19.

Conditions:
Atrial fibrillation, familial, 7 (ATFB7). Identifiers: MedGen C2677106, MONDO:0012828, OMIM 612240.

Submissions (2):

Labcorp Genetics (formerly Invitae), Labcorp
Classification: Uncertain significance for Atrial fibrillation, familial, 7. Last evaluated: 2022-03-19. Review status: criteria provided, single submitter. Criteria: Invitae Variant Classification Sherloc (09022015). Collection method: clinical testing. Allele origin: germline.
Comment: ClinVar contains an entry for this variant (Variation ID: 1061491). This variant has not been reported in the literature in individuals affected with KCNA5-related conditions. This variant is present in population databases (no rsID available, gnomAD 0.007%). This variant, c.403_405del, results in the deletion of 1 amino acid(s) of the KCNA5 protein (p.Leu135del), but otherwise preserves the integrity of the reading frame. In summary, the available evidence is currently insufficient to determine the role of this variant in disease. Therefore, it has been classified as a Variant of Uncertain Significance. Experimental studies and prediction algorithms are not available or were not evaluated, and the functional significance of this variant is currently unknown.

Fulgent Genetics
Classification: Uncertain significance for Atrial fibrillation, familial, 7. Last evaluated: 2021-10-04. Review status: criteria provided, single submitter. Criteria: ACMG Guidelines, 2015. Collection method: clinical testing. Allele origin: unknown.